The following is an entry in ClinVar:

ClinVar aggregate classification (germline): Pathogenic. Review status: criteria provided, multiple submitters, no conflicts (2 of 4 stars). 2 submissions from 2 submitters: Pathogenic (2). Last evaluated 2026-09-08.

Conditions:
Fabry disease. Also called: GLA DEFICIENCY; HEREDITARY DYSTOPIC LIPIDOSIS; Fabry's disease; ALPHA-GALACTOSIDASE A DEFICIENCY; ANDERSON-FABRY DISEASE; CERAMIDE TRIHEXOSIDASE DEFICIENCY. Identifiers: Orphanet 324, MedGen C0002986, MONDO:0010526, OMIM 301500, HP:0001071. Disease mechanism: Fabry disease is due to inactivating mutations in the X-linked GLA gene resulting in deficiency of the enzyme Alpha Galactosidase-A., loss of function.

Submissions (2):

Genomenon, Inc
Classification: Pathogenic for Fabry disease. Last evaluated: 2026-09-08. Review status: criteria provided, single submitter. Criteria: Genomenon Sequence Variant Interpretation Standards - Updated. Collection method: curation. Allele origin: germline. Affected: yes.
Comment: GLA p.Trp236Ter (c.708G>A) is a nonsense variant that introduces a premature stop codon at amino acid position 236 and is predicted to result in a truncated or absent protein product. This variant has been observed in at least one proband with clinical features consistent with Fabry disease (PMID:32813676;26252393). It is absent or not present at a significant frequency in gnomAD. In conclusion, we classify GLA p.Trp236Ter (c.708G>A) as a pathogenic variant.

3billion
Classification: Pathogenic for Fabry disease. Last evaluated: 2024-03-10. Review status: criteria provided, single submitter. Criteria: ACMG Guidelines, 2015. Collection method: clinical testing. Allele origin: germline. Affected: yes.
Comment: The variant is not observed in the gnomAD v2.1.1 dataset. Predicted Consequence/Location: Stop-gained (nonsense): predicted to result in a loss or disruption of normal protein function through nonsense-mediated decay (NMD) or protein truncation. Multiple pathogenic variants are reported downstream of the variant. The variant has been reported to be associated with GLA-related disorder (ClinVar ID: VCV001687101 /3billion dataset). Therefore, this variant is classified as Pathogenic according to the recommendation of ACMG/AMP guideline.

Literature cited by the submitters: PubMed 32813676 (cited by Genomenon, Inc); PubMed 26252393 (cited by Genomenon, Inc).

NM_000169.3(GLA):c.708G>A (p.Trp236Ter)

Genes: GLA (galactosidase alpha; minus strand), RPL36A-HNRNPH2 (RPL36A-HNRNPH2 readthrough; plus strand). Cytogenetic location: Xq22.1.
Variant type: single nucleotide variant.
Coding change: c.708G>A on transcript NM_000169.3 (MANE Select); coding-DNA position 708, G replaced by A.
Protein change: p.Trp236Ter; replaces tryptophan 236 with a stop codon.
Molecular consequence: nonsense. On other transcripts: non-coding transcript variant (3), intron variant (2).
Genome position (GRCh38, 1-based): chrX:101,398,878, C>T on the plus strand (G>A on the coding strand, the complement: GLA is on the minus strand). VCF-style: chrX-101398878-C-T. GRCh37 (hg19) VCF-style: chrX-100653866-C-T.
Other names: c.831G>A, p.Trp277Ter (NM_001406747.1); c.708G>A, p.Trp236Ter (NM_001406748.1); c.300+3421C>T (NM_001199973.2); c.177+7056C>T (NM_001199974.2); short protein forms W236*, W277*.
Identifiers: ClinVar variation 1687101 (VCV001687101.5), dbSNP rs869312386, ClinGen allele CA413924688.